The following is an entry in ClinVar:

ClinVar aggregate classification (germline): Uncertain significance. Review status: criteria provided, multiple submitters, no conflicts (2 of 4 stars). 2 submissions from 2 submitters: Uncertain significance (2). Last evaluated 2024-02-24.

Conditions:
Developmental and epileptic encephalopathy, 31A. Also called: Developmental and epileptic encephalopathy, 31; Epileptic encephalopathy, early infantile, 31. Identifiers: Orphanet 2382, MedGen C4225357, MONDO:0014598, OMIM 616346.

Allele frequency attached by ClinVar (database versions not stated): gnomAD 0.00001; gnomAD exomes 0.00001.
gnomAD v4.1: 9 of 1,574,398 alleles (0.00057%); highest among the groups gnomAD compares: Admixed American, 0.0037%; no homozygotes.

Submissions (2):

Labcorp Genetics (formerly Invitae), Labcorp
Classification: Uncertain significance for Developmental and epileptic encephalopathy, 31A. Last evaluated: 2024-02-24. Review status: criteria provided, single submitter. Criteria: Invitae Variant Classification Sherloc (09022015). Collection method: clinical testing. Allele origin: germline.
Comment: This sequence change replaces arginine, which is basic and polar, with cysteine, which is neutral and slightly polar, at codon 199 of the DNM1 protein (p.Arg199Cys). The frequency data for this variant in the population databases is considered unreliable, as metrics indicate poor data quality at this position in the gnomAD database. This variant has not been reported in the literature in individuals affected with DNM1-related conditions. ClinVar contains an entry for this variant (Variation ID: 1499073). Advanced modeling of protein sequence and biophysical properties (such as structural, functional, and spatial information, amino acid conservation, physicochemical variation, residue mobility, and thermodynamic stability) performed at Invitae indicates that this missense variant is expected to disrupt DNM1 protein function with a positive predictive value of 80%. In summary, the available evidence is currently insufficient to determine the role of this variant in disease. Therefore, it has been classified as a Variant of Uncertain Significance.

Neuberg Centre For Genomic Medicine, NCGM
Classification: Uncertain significance for Developmental and epileptic encephalopathy, 31A. Review status: criteria provided, single submitter. Criteria: ACMG Guidelines, 2015. Collection method: clinical testing. Allele origin: germline. Inheritance: Autosomal dominant inheritance. Affected: yes.
Comment: The missense c.595C>T (p.Arg199Cys) variant in DNM1 gene has not been reported previously as a pathogenic variant nor as a benign variant, to our knowledge. The p.Arg199Cys variant is present with allele frequency of 0.001% in gnomAD Exomes. This variant has been submitted to the ClinVar database as Uncertain Significance. Multiple lines of computational evidence (Polyphen - Probably Damaging, SIFT - Damaging and MutationTaster - Disease causing) predict a damaging effect on protein structure and function for this variant. The reference amino acid at this position on DNM1 is predicted as conserved by GERP++ and PhyloP across 100 vertebrates. The amino acid Arg at position 199 is changed to a Cys changing protein sequence and it might alter its composition and physico-chemical properties. For these reasons, this variant has been classified as a Variant of Uncertain Significance (VUS).

NM_004408.4(DNM1):c.595C>T (p.Arg199Cys)

Gene: DNM1 (dynamin 1; plus strand). Cytogenetic location: 9q34.11.
Variant type: single nucleotide variant.
Coding change: c.595C>T on transcript NM_004408.4 (MANE Select); coding-DNA position 595, C replaced by T.
Protein change: p.Arg199Cys; replaces arginine 199 with cysteine.
Molecular consequence: missense variant.
Genome position (GRCh38, 1-based): chr9:128,219,993, C>T. VCF-style: chr9-128219993-C-T. GRCh37 (hg19) VCF-style: chr9-130982272-C-T.
Other names: c.595C>T, p.Arg199Cys (NM_001005336.3, NM_001288737.2, NM_001288738.2 and 2 more transcripts); short protein forms R199C.
Identifiers: ClinVar variation 1499073 (VCV001499073.7), dbSNP rs1485891906, ClinGen allele CA375012156.